The following is an entry in ClinVar:

ClinVar aggregate classification (germline): Uncertain significance (1 of 4 stars; one submission).

Conditions:
Rubinstein-Taybi syndrome (RSTS). Identifiers: Orphanet 783, MedGen C0035934, MONDO:0019188.

Allele frequency attached by ClinVar (database versions not stated): gnomAD exomes below 0.00001.
gnomAD v4.1: 4 of 1,567,684 alleles (0.00026%); highest among the groups gnomAD compares: Non-Finnish European, 0.00035%; no homozygotes.

Submission:

Labcorp Genetics (formerly Invitae), Labcorp
Classification: Uncertain significance for Rubinstein-Taybi syndrome. Last evaluated: 2022-06-29. Review status: criteria provided, single submitter. Criteria: Invitae Variant Classification Sherloc (09022015). Collection method: clinical testing. Allele origin: germline.
Comment: In summary, the available evidence is currently insufficient to determine the role of this variant in disease. Therefore, it has been classified as a Variant of Uncertain Significance. Variants that disrupt the consensus splice site are a relatively common cause of aberrant splicing (PMID: 17576681, 9536098). Algorithms developed to predict the effect of sequence changes on RNA splicing suggest that this variant is not likely to affect RNA splicing. This variant has not been reported in the literature in individuals affected with CREBBP-related conditions. This variant is not present in population databases (gnomAD no frequency). This sequence change falls in intron 26 of the CREBBP gene. It does not directly change the encoded amino acid sequence of the CREBBP protein. It affects a nucleotide within the consensus splice site.

Literature cited by the submitters: PubMed 17576681; PubMed 9536098.

NM_004380.3(CREBBP):c.4394+3G>A

Gene: CREBBP (CREB binding lysine acetyltransferase; minus strand). Cytogenetic location: 16p13.3.
Variant type: single nucleotide variant.
Coding change: c.4394+3G>A on transcript NM_004380.3 (MANE Select); 3 bases into the intron after coding-DNA position 4394, G replaced by A.
Molecular consequence: intron variant.
Genome position (GRCh38, 1-based): chr16:3,738,556, C>T on the plus strand (G>A on the coding strand, the complement: CREBBP is on the minus strand). VCF-style: chr16-3738556-C-T. GRCh37 (hg19) VCF-style: chr16-3788557-C-T.
Other names: c.4280+3G>A (NM_001079846.1).
Identifiers: ClinVar variation 2103959 (VCV002103959.4), dbSNP rs2151333973, ClinGen allele CA2580091106.